The following is an entry in ClinVar:

ClinVar aggregate classification (germline): Benign/Likely benign. Review status: criteria provided, multiple submitters, no conflicts (2 of 4 stars). 9 submissions from 9 submitters: Benign (6); Likely benign (2). 1 of the submissions does not count toward it. Last evaluated 2026-02-04.

Conditions:
BREAST CANCER, PROTECTION AGAINST. Identifiers: MedGen C4016759.
Autoimmune lymphoproliferative syndrome type 2B. Also called: AUTOIMMUNE LYMPHOPROLIFERATIVE SYNDROME, TYPE IIB. Identifiers: Orphanet 275517, MedGen C1846545, MONDO:0011804, OMIM 607271.

Allele frequency attached by ClinVar (database versions not stated): 1000 Genomes Project 0.05272; 1000 Genomes Project 30x 0.05372; ExAC 0.09069; TOPMed 0.09646.
gnomAD v4.1: 186,352 of 1,613,940 alleles (12%); highest among the groups gnomAD compares: Non-Finnish European, 13%; 12,010 homozygotes.

Submissions (9):

Labcorp Genetics (formerly Invitae), Labcorp
Classification: Benign for Autoimmune lymphoproliferative syndrome type 2B. Last evaluated: 2026-02-04. Review status: criteria provided, single submitter. Criteria: Invitae Variant Classification Sherloc (09022015). Collection method: clinical testing. Allele origin: germline.

Women's Health and Genetics/Laboratory Corporation of America, LabCorp
Classification: Likely benign. Last evaluated: 2026-01-21. Review status: criteria provided, single submitter. Criteria: LabCorp Variant Classification Summary - May 2015. Collection method: clinical testing. Allele origin: germline.

Blueprint Genetics
Classification: Likely benign. Last evaluated: 2024-11-26. Review status: criteria provided, single submitter. Criteria: ACMG Guidelines, 2015. Collection method: clinical testing. Allele origin: germline.

Mayo Clinic Laboratories, Mayo Clinic
Classification: Benign. Last evaluated: 2023-06-06. Review status: criteria provided, single submitter. Criteria: ACMG Guidelines, 2015. Collection method: clinical testing. Allele origin: germline. Observed: 176 variant alleles.
Comment: BA1, BP4

Illumina Laboratory Services, Illumina
Classification: Benign for Autoimmune lymphoproliferative syndrome type 2B. Last evaluated: 2018-03-06. Review status: criteria provided, single submitter. Criteria: ICSL Variant Classification Criteria 13 December 2019. Collection method: clinical testing. Allele origin: germline.
Comment: This variant was observed in the ICSL laboratory as part of a predisposition screen in an ostensibly healthy population. It had not been previously curated by ICSL or reported in the Human Gene Mutation Database (HGMD: prior to June 1st, 2018), and was therefore a candidate for classification through an automated scoring system. Utilizing variant allele frequency, disease prevalence and penetrance estimates, and inheritance mode, an automated score was calculated to assess if this variant is too frequent to cause the disease. Based on the score and internal cut-off values, a variant classified as benign is not then subjected to further curation. The score for this variant resulted in a classification of benign for this disease.

Laboratory for Molecular Medicine, Mass General Brigham Personalized Medicine
Classification: Benign. Last evaluated: 2016-03-28. Review status: criteria provided, single submitter. Criteria: LMM Criteria. Collection method: clinical testing. Allele origin: germline.
Comment: Variant identified in a genome or exome case(s) and assessed due to predicted null impact of the variant or pathogenic assertions in the literature or databases. Disclaimer: This variant has not undergone full assessment. The following are preliminary notes: MAF

GeneDx
Classification: Benign. Last evaluated: 2015-03-03. Review status: criteria provided, single submitter. Criteria: GeneDx Variant Classification Process June 2021. Collection method: clinical testing. Allele origin: germline. Affected: yes.
Comment: This variant is associated with the following publications: (PMID: 19843670, 19214744, 19203830, 19318553, 20176653, 16251207, 18398042, 20978178, 20502973, 17293864, 25502557, 20033885, 15601643, 28674227, 22588838)

Breakthrough Genomics
Classification: Benign. Review status: criteria provided, single submitter. Criteria: ACMG Guidelines, 2015. Collection method: not provided. Allele origin: germline. Inheritance: Autosomal recessive inheritance. Affected: yes.

OMIM
Classification: protective for BREAST CANCER, PROTECTION AGAINST. Last evaluated: 2007-03-01. Review status: no assertion criteria provided. Collection method: literature only. Allele origin: germline. Not counted in ClinVar's aggregate classification.

Literature cited by the submitters: PubMed 15601643 (cited by OMIM); PubMed 15998955 (cited by OMIM); PubMed 17293864 (cited by OMIM).

NM_001372051.1(CASP8):c.853G>C (p.Asp285His)

Gene: CASP8 (caspase 8; plus strand). Cytogenetic location: 2q33.1.
Variant type: single nucleotide variant.
Coding change: c.853G>C on transcript NM_001372051.1 (MANE Select); coding-DNA position 853, G replaced by C.
Protein change: p.Asp285His; replaces aspartic acid 285 with histidine.
Molecular consequence: missense variant. On other transcripts: non-coding transcript variant (22), intron variant (1).
Genome position (GRCh38, 1-based): chr2:201,284,866, G>C. VCF-style: chr2-201284866-G-C. GRCh37 (hg19) VCF-style: chr2-202149589-G-C.
Other names: c.256G>C, p.Asp86His (NM_001400673.1, NM_001400750.1, NM_001400671.1 and 1 more transcripts); c.238G>C, p.Asp80His (NM_001400674.1, NM_001400680.1); c.211G>C, p.Asp71His (NM_001400675.1, NM_001400676.1, NM_001400677.1 and 2 more transcripts); c.853G>C, p.Asp285His (NM_033355.4, NM_001400648.1, NM_001400651.1 and 5 more transcripts); c.808G>C, p.Asp270His (NM_033356.4, NM_001080124.2, NM_001400658.1 and 5 more transcripts); c.803-397G>C (NM_001400670.1); c.1030G>C, p.Asp344His (NM_001080125.2); c.904G>C, p.Asp302His (NM_001228.5); and 7 more; short protein forms D302H, D285H, D344H, D270H, D182H, D201H, D216H, D260H.
Identifiers: ClinVar variation 7762 (VCV000007762.24), dbSNP rs1045485, ClinGen allele CA119051.